The following is an entry in ClinVar:

ClinVar aggregate classification (germline): Pathogenic (1 of 4 stars; one submission).

Conditions:
Familial hemophagocytic lymphohistiocytosis 3 (FHL3). Also called: UNC13D-Related Familial Hemophagocytic Lymphohistiocytosis (UNC13D-fHLH). Identifiers: Orphanet 540, MedGen C1837174, MONDO:0012146, OMIM 608898.

Allele frequency attached by ClinVar (database versions not stated): gnomAD exomes below 0.00001; TOPMed 0.00001.

Submission:

Labcorp Genetics (formerly Invitae), Labcorp
Classification: Pathogenic for Familial hemophagocytic lymphohistiocytosis 3. Last evaluated: 2023-09-17. Review status: criteria provided, single submitter. Criteria: Invitae Variant Classification Sherloc (09022015). Collection method: clinical testing. Allele origin: germline.
Comment: For these reasons, this variant has been classified as Pathogenic. ClinVar contains an entry for this variant (Variation ID: 573522). This variant has not been reported in the literature in individuals affected with UNC13D-related conditions. This variant is not present in population databases (gnomAD no frequency). This sequence change creates a premature translational stop signal (p.Gln590*) in the UNC13D gene. It is expected to result in an absent or disrupted protein product. Loss-of-function variants in UNC13D are known to be pathogenic (PMID: 14622600).

Literature cited by the submitters: PubMed 14622600.

NM_199242.3(UNC13D):c.1768C>T (p.Gln590Ter)

Gene: UNC13D (unc-13 homolog D; minus strand). Cytogenetic location: 17q25.1.
Variant type: single nucleotide variant.
Coding change: c.1768C>T on transcript NM_199242.3 (MANE Select); coding-DNA position 1768, C replaced by T.
Protein change: p.Gln590Ter; replaces glutamine 590 with a stop codon.
Molecular consequence: nonsense.
Genome position (GRCh38, 1-based): chr17:75,835,489, G>A on the plus strand (C>T on the coding strand, the complement: UNC13D is on the minus strand). VCF-style: chr17-75835489-G-A. GRCh37 (hg19) VCF-style: chr17-73831570-G-A.
Other names: short protein forms Q590*.
Identifiers: ClinVar variation 573522 (VCV000573522.6), dbSNP rs1567818774, ClinGen allele CA401092767.